The following is an entry in ClinVar:

NM_001195263.2(PDZD7):c.1185del (p.Ala396fs)

Gene: PDZD7 (PDZ domain containing 7; minus strand). Cytogenetic location: 10q24.31.
Variant type: Deletion.
Coding change: c.1185del on transcript NM_001195263.2 (MANE Select); coding-DNA position 1185, one base deleted (C; older notation c.1185delC).
Protein change: p.Ala396fs; shifts the reading frame from alanine 396.
Molecular consequence: frameshift variant.
Genome position (GRCh38, 1-based): chr10:101,018,961, G deleted on the plus strand (C on the coding strand, the reverse complement: PDZD7 is on the minus strand); the first of 2 consecutive G bases (chr10:101,018,961-101,018,962); deleting either gives the same sequence. VCF-style (leftmost placement, unchanged base first): chr10-101018960-CG-C. GRCh37 (hg19) VCF-style: chr10-102778717-CG-C.
Other names: c.1185del, p.Ala396fs (NM_001351044.2, NM_024895.5); short protein forms A396fs.
Identifiers: ClinVar variation 2004023 (VCV002004023.4), dbSNP rs2492885730, ClinGen allele CA2580081134.

ClinVar aggregate classification (germline): Pathogenic (1 of 4 stars; one submission).

Submission:

Labcorp Genetics (formerly Invitae), Labcorp
Classification: Pathogenic. Last evaluated: 2022-06-09. Review status: criteria provided, single submitter. Criteria: Invitae Variant Classification Sherloc (09022015). Collection method: clinical testing. Allele origin: germline.
Comment: For these reasons, this variant has been classified as Pathogenic. This variant has not been reported in the literature in individuals affected with PDZD7-related conditions. This variant is not present in population databases (gnomAD no frequency). This sequence change creates a premature translational stop signal (p.Ala396Profs*43) in the PDZD7 gene. It is expected to result in an absent or disrupted protein product. Loss-of-function variants in PDZD7 are known to be pathogenic (PMID: 20440071).

Literature cited by the submitters: PubMed 20440071.